The following is an entry in ClinVar:

ClinVar aggregate classification (germline): Likely pathogenic (1 of 4 stars; one submission).

Conditions:
Primary ciliary dyskinesia 3. Identifiers: Orphanet 244, MedGen C1837618, MONDO:0012085, OMIM 608644.

Submission:

Myriad Genetics, Inc.
Classification: Likely pathogenic for Primary ciliary dyskinesia 3. Last evaluated: 2022-05-18. Review status: criteria provided, single submitter. Criteria: Myriad Women's Health Autosomal Recessive and X-Linked Classification Criteria (2021). Collection method: clinical testing. Allele origin: unknown.
Comment: NM_001369.2(DNAH5):c.700dupC(L234Pfs*13) is expected to be pathogenic in the context of DNAH5-related primary ciliary dyskinesia. This variant is predicted to lead to an abnormal or absent protein product due to the creation of a premature termination codon in DNAH5, a gene where loss-of-function variants are known to be pathogenic. Please note: this variant was assessed in the context of healthy population screening.

NM_001369.3(DNAH5):c.700dup (p.Leu234fs)

Gene: DNAH5 (dynein axonemal heavy chain 5; minus strand). Cytogenetic location: 5p15.2.
Variant type: Duplication.
Coding change: c.700dup on transcript NM_001369.3 (MANE Select); coding-DNA position 700, one base duplicated (C; older notation c.700dupC).
Protein change: p.Leu234fs; shifts the reading frame from leucine 234.
Molecular consequence: frameshift variant.
Genome position (GRCh38, 1-based): chr5:13,920,578, G duplicated on the plus strand (C on the coding strand, the reverse complement: DNAH5 is on the minus strand); the first of 3 consecutive G bases (chr5:13,920,578-13,920,580); duplicating any one gives the same sequence. VCF-style (leftmost placement, unchanged base first): chr5-13920577-A-AG. GRCh37 (hg19) VCF-style: chr5-13920686-A-AG.
Other names: short protein forms L234fs.
Identifiers: ClinVar variation 1726083 (VCV001726083.2), dbSNP rs2547149282, ClinGen allele CA2580072113.
Genomic context (GRCh38, chr5:13,920,577, plus strand): 5'-TCTATTTTTCCCAAAGTCTCAGGGTTATTTGCTAGAGTCAAGTAGTCCGTAGGTTCCTTT[A>AG]GGGTTTTCAGTTCAAGTATGTCACACTTTCGAAGGTTCACCTAATTAGAATGAAAATTAA-3'